The following is an entry in ClinVar:

NM_001145026.2(PTPRQ):c.5613-8T>A

Gene: PTPRQ (protein tyrosine phosphatase receptor type Q; plus strand). Cytogenetic location: 12q21.31.
Variant type: single nucleotide variant.
Coding change: c.5613-8T>A on transcript NM_001145026.2 (MANE Select); 8 bases into the intron before coding-DNA position 5613, T replaced by A.
Molecular consequence: intron variant.
Genome position (GRCh38, 1-based): chr12:80,622,053, T>A. VCF-style: chr12-80622053-T-A. GRCh37 (hg19) VCF-style: chr12-81015832-T-A.
Identifiers: ClinVar variation 3900900 (VCV003900900.1).
Genomic context (GRCh38, chr12:80,622,053, plus strand): 5'-TCTTGAGTTATTCATAGGAAAAATCACATGATATGCAAAGTGTTGATTTTTCTTTTTTTA[T>A]TTTATAGATTTAAATTTAGAGCTACAAATATTATGGGACAATTTACTGACTCTGATTATT-3'

ClinVar aggregate classification (germline): Uncertain significance (1 of 4 stars; one submission).

Submission:

GeneDx
Classification: Uncertain significance. Last evaluated: 2024-12-02. Review status: criteria provided, single submitter. Criteria: GeneDx Variant Classification Process June 2021. Collection method: clinical testing. Allele origin: germline. Affected: yes.
Comment: Not observed at significant frequency in large population cohorts (gnomAD); In silico analysis indicates that this variant does not alter splicing; Has not been previously published as pathogenic or benign to our knowledge